The following is an entry in ClinVar:

NM_001367624.2(ZNF469):c.11137C>T (p.Arg3713Cys)

Gene: ZNF469 (zinc finger protein 469; plus strand). Cytogenetic location: 16q24.2.
Variant type: single nucleotide variant.
Coding change: c.11137C>T on transcript NM_001367624.2 (MANE Select); coding-DNA position 11137, C replaced by T.
Protein change: p.Arg3713Cys; replaces arginine 3713 with cysteine.
Molecular consequence: missense variant.
Genome position (GRCh38, 1-based): chr16:88,438,607, C>T. VCF-style: chr16-88438607-C-T. GRCh37 (hg19) VCF-style: chr16-88505015-C-T.
Other names: NM_001127464.1:c.11053C>T; NM_001127464.2:c.11053C>T; short protein forms R3713C.
Identifiers: ClinVar variation 1216235 (VCV001216235.17), dbSNP rs748126365, ClinGen allele CA8225587.

ClinVar aggregate classification (germline): Benign/Likely benign. Review status: criteria provided, multiple submitters, no conflicts (2 of 4 stars). 6 submissions from 6 submitters: Benign (3); Likely benign (2). 1 of the submissions does not count toward it. Last evaluated 2026-01-24.

Conditions:
ZNF469-related disorder. Also called: ZNF469-related condition.
Brittle cornea syndrome 1 (BCS1). Also called: DYSGENESIS MESODERMALIS CORNEAE ET SCLERAE; Corneal fragility keratoglobus, blue sclerae AND joint hypermobility; CORNEAL FRAGILITY, KERATOGLOBUS, BLUE SCLERAE, JOINT HYPEREXTENSIBILITY; EDS6B; FRAGILITAS OCULI WITH JOINT HYPEREXTENSIBILITY. Identifiers: Orphanet 90354, MedGen C0268344, MONDO:0024543, OMIM 229200.
Cardiovascular phenotype. Identifiers: MedGen CN230736.

Allele frequency attached by ClinVar (database versions not stated): ExAC 0.00007; gnomAD exomes 0.00015 and 0.00026.
gnomAD v4.1: 258 of 1,549,978 alleles (0.017%); highest among the groups gnomAD compares: East Asian, 0.11%; 1 homozygote.

Submissions (6):

Labcorp Genetics (formerly Invitae), Labcorp
Classification: Benign. Last evaluated: 2026-01-24. Review status: criteria provided, single submitter. Criteria: Invitae Variant Classification Sherloc (09022015). Collection method: clinical testing. Allele origin: germline.

Women's Health and Genetics/Laboratory Corporation of America, LabCorp
Classification: Likely benign. Last evaluated: 2025-04-09. Review status: criteria provided, single submitter. Criteria: LabCorp Variant Classification Summary - May 2015. Collection method: clinical testing. Allele origin: germline.
Comment: Variant summary: ZNF469 c.11137C>T (p.Arg3713Cys) results in a non-conservative amino acid change in the encoded protein sequence. Three of four in-silico tools predict a benign effect of the variant on protein function. The variant allele was found at a frequency of 0.00026 in 148326 control chromosomes, predominantly at a frequency of 0.0031 within the East Asian subpopulation in the gnomAD database, including 1 homozygotes. The observed variant frequency within East Asian control individuals in the gnomAD database exceeds the estimated maximal expected allele frequency for a pathogenic variant in ZNF469 causing Brittle cornea syndrome 1 phenotype. To our knowledge, no occurrence of c.11137C>T in individuals affected with Brittle cornea syndrome 1 and no experimental evidence demonstrating its impact on protein function have been reported. ClinVar contains an entry for this variant (Variation ID: 1216235). Based on the evidence outlined above, the variant was classified as likely benign.

Ambry Genetics
Classification: Benign for Cardiovascular phenotype. Last evaluated: 2022-03-16. Review status: criteria provided, single submitter. Criteria: Ambry Variant Classification Scheme 2023. Collection method: clinical testing. Allele origin: germline.

Genome-Nilou Lab
Classification: Benign for Brittle cornea syndrome 1. Last evaluated: 2021-12-05. Review status: criteria provided, single submitter. Criteria: ACMG Guidelines, 2015. Collection method: clinical testing. Allele origin: germline. Affected: no.

GeneDx
Classification: Likely benign. Last evaluated: 2021-02-08. Review status: criteria provided, single submitter. Criteria: GeneDx Variant Classification Process June 2021. Collection method: clinical testing. Allele origin: germline. Affected: yes.

PreventionGenetics, part of Exact Sciences
Classification: Likely benign for ZNF469-related condition. Last evaluated: 2024-07-25. Review status: no assertion criteria provided. Collection method: clinical testing. Allele origin: germline. Not counted in ClinVar's aggregate classification.
Comment: This variant is classified as likely benign based on ACMG/AMP sequence variant interpretation guidelines (Richards et al. 2015 PMID: 25741868, with internal and published modifications).